The following is an entry in ClinVar:

ClinVar aggregate classification (germline): Likely pathogenic (1 of 4 stars; one submission).

Conditions:
Cone-rod dystrophy 6 (CORD6). Also called: RETINAL CONE DYSTROPHY 2; Cone dystrophy progressive. Identifiers: Orphanet 1872, MedGen C1866293, MONDO:0011143, OMIM 601777.
Leber congenital amaurosis 1 (LCA1). Also called: AMAUROSIS CONGENITA OF LEBER I; RETINAL BLINDNESS, CONGENITAL; Congenital absence of the rods and cones; Leber's congenital tapetoretinal degeneration; Leber's congenital tapetoretinal dysplasia. Identifiers: Orphanet 65, MedGen C2931258, MONDO:0008764, OMIM 204000.

Submission:

Labcorp Genetics (formerly Invitae), Labcorp
Classification: Likely pathogenic for Leber congenital amaurosis 1; Cone-rod dystrophy 6. Last evaluated: 2023-02-16. Review status: criteria provided, single submitter. Criteria: Invitae Variant Classification Sherloc (09022015). Collection method: clinical testing. Allele origin: germline.
Comment: In summary, the currently available evidence indicates that the variant is pathogenic, but additional data are needed to prove that conclusively. Therefore, this variant has been classified as Likely Pathogenic. Algorithms developed to predict the effect of sequence changes on RNA splicing suggest that this variant may disrupt the consensus splice site. This variant has not been reported in the literature in individuals affected with GUCY2D-related conditions. This variant is not present in population databases (gnomAD no frequency). This variant results in the deletion of part of exon 9 of the GUCY2D gene. It is expected to disrupt RNA splicing. Variants that disrupt the donor or acceptor splice site typically lead to a loss of protein function (PMID: 16199547), and loss-of-function variants in GUCY2D are known to be pathogenic (PMID: 10951519, 11328726).

Literature cited by the submitters: PubMed 16199547; PubMed 10951519; PubMed 11328726.

NM_000180.4(GUCY2D):c.1750-12_1752del

Gene: GUCY2D (guanylate cyclase 2D, retinal; plus strand). Cytogenetic location: 17p13.1.
Variant type: Deletion.
Coding change: c.1750-12_1752del on transcript NM_000180.4 (MANE Select); 12 bases into the intron before coding-DNA position 1750 through coding-DNA position 1752, 15 bases deleted (TCCCCCTCTCAGCTC).
Molecular consequence: splice acceptor variant.
Genome position (GRCh38, 1-based): chr17:8,012,132-8,012,146, TCCCCCTCTCAGCTC deleted; deleting any 15 consecutive bases within chr17:8,012,129-8,012,146 gives the same sequence; the c. name uses the placement nearest the transcript's 3' end. VCF-style (leftmost placement, unchanged base first): chr17-8012128-ACTCTCCCCCTCTCAG-A. GRCh37 (hg19) VCF-style: chr17-7915446-ACTCTCCCCCTCTCAG-A.
Identifiers: ClinVar variation 2942687 (VCV002942687.3), dbSNP rs2545423875, ClinGen allele CA2576160304.